The following is an entry in ClinVar:

NM_001079802.2(FKTN):c.1312C>T (p.Arg438Cys)

Gene: FKTN (fukutin; plus strand). Cytogenetic location: 9q31.2.
Variant type: single nucleotide variant.
Coding change: c.1312C>T on transcript NM_001079802.2 (MANE Select); coding-DNA position 1312, C replaced by T.
Protein change: p.Arg438Cys; replaces arginine 438 with cysteine.
Molecular consequence: missense variant. On other transcripts: 3 prime UTR variant (1), non-coding transcript variant (2), intron variant (1).
Genome position (GRCh38, 1-based): chr9:105,635,190, C>T. VCF-style: chr9-105635190-C-T. GRCh37 (hg19) VCF-style: chr9-108397471-C-T.
Other names: p.Arg438Cys; c.1312C>T, p.Arg438Cys (NM_001351496.2, NM_006731.2); c.1243C>T, p.Arg415Cys (NM_001351497.2); c.*104C>T (NM_001351498.2); c.916C>T, p.Arg306Cys (NM_001351499.2, NM_001351500.2, NM_001351501.2 and 1 more transcripts); c.1270+42C>T (NM_001198963.2); short protein forms R438C, R415C, R306C.
Identifiers: ClinVar variation 291125 (VCV000291125.18), dbSNP rs150852885, ClinGen allele CA5170608.

ClinVar aggregate classification (germline): Uncertain significance. Review status: criteria provided, multiple submitters, no conflicts (2 of 4 stars). 5 submissions from 5 submitters: Uncertain significance (4). 1 of the submissions does not count toward it. Last evaluated 2022-06-27.

Conditions:
Walker-Warburg congenital muscular dystrophy. Also called: Muscular dystrophy-dystroglycanopathy, type A; Walker-Warburg syndrome. Identifiers: Orphanet 899, MedGen C0265221, MONDO:0000171.

Allele frequency attached by ClinVar (database versions not stated): ExAC 0.00002; ESP Exome Variant Server 0.00008; gnomAD 0.00002; gnomAD exomes 0.00002; TOPMed 0.00003.
gnomAD v4.1: 46 of 1,614,016 alleles (0.0029%); highest among the groups gnomAD compares: East Asian, 0.0045%; no homozygotes.

Submissions (5):

Labcorp Genetics (formerly Invitae), Labcorp
Classification: Uncertain significance for Walker-Warburg congenital muscular dystrophy. Last evaluated: 2022-06-27. Review status: criteria provided, single submitter. Criteria: Invitae Variant Classification Sherloc (09022015). Collection method: clinical testing. Allele origin: germline.
Comment: This sequence change replaces arginine, which is basic and polar, with cysteine, which is neutral and slightly polar, at codon 438 of the FKTN protein (p.Arg438Cys). This variant is present in population databases (rs150852885, gnomAD 0.02%). This missense change has been observed in individual(s) with dilated cardiomyopathy (PMID: 31983221, 32746448). ClinVar contains an entry for this variant (Variation ID: 291125). Algorithms developed to predict the effect of missense changes on protein structure and function are either unavailable or do not agree on the potential impact of this missense change (SIFT: "Deleterious"; PolyPhen-2: "Benign"; Align-GVGD: "Class C0"). In summary, the available evidence is currently insufficient to determine the role of this variant in disease. Therefore, it has been classified as a Variant of Uncertain Significance.

GeneDx
Classification: Uncertain significance. Last evaluated: 2022-06-12. Review status: criteria provided, single submitter. Criteria: GeneDx Variant Classification Process June 2021. Collection method: clinical testing. Allele origin: germline. Affected: yes.
Comment: Not observed at a significant frequency in large population cohorts (gnomAD); In silico analysis supports that this missense variant does not alter protein structure/function; Identified in patients with dilated cardiomyopathy (Mazzarotto et al., 2020; Burstein et al., 2021); This variant is associated with the following publications: (PMID: 31983221, 32746448)

Mayo Clinic Laboratories, Mayo Clinic
Classification: Uncertain significance. Last evaluated: 2021-05-12. Review status: criteria provided, single submitter. Criteria: ACMG Guidelines, 2015. Collection method: clinical testing. Allele origin: germline.

Eurofins Ntd Llc (ga)
Classification: Uncertain significance. Last evaluated: 2016-09-07. Review status: criteria provided, single submitter. Criteria: EGL Classification Definitions 2015. Collection method: clinical testing. Allele origin: germline. Observed: 1 variant allele, 1 heterozygote.

Natera, Inc.
Classification: Uncertain significance for Walker-Warburg congenital muscular dystrophy. Last evaluated: 2019-10-28. Review status: no assertion criteria provided. Collection method: clinical testing. Allele origin: germline. Not counted in ClinVar's aggregate classification.

Literature cited by the submitters: PubMed 31983221 (cited by Labcorp Genetics (formerly Invitae), Labcorp); PubMed 32746448 (cited by Labcorp Genetics (formerly Invitae), Labcorp).